The following is an entry in ClinVar:

NM_001035.3(RYR2):c.13551G>T (p.Leu4517Phe)

Gene: RYR2 (ryanodine receptor 2; plus strand). Cytogenetic location: 1q43.
Variant type: single nucleotide variant.
Coding change: c.13551G>T on transcript NM_001035.3 (MANE Select); coding-DNA position 13551, G replaced by T.
Protein change: p.Leu4517Phe; replaces leucine 4517 with phenylalanine.
Molecular consequence: missense variant.
Genome position (GRCh38, 1-based): chr1:237,791,503, G>T. VCF-style: chr1-237791503-G-T. GRCh37 (hg19) VCF-style: chr1-237954803-G-T.
Other names: short protein forms L4517F.
Identifiers: ClinVar variation 4800125 (VCV004800125.1).

ClinVar aggregate classification (germline): Uncertain significance (1 of 4 stars; one submission).

Conditions:
Catecholaminergic polymorphic ventricular tachycardia 1. Also called: VENTRICULAR TACHYCARDIA, STRESS-INDUCED POLYMORPHIC 1; RYR2-Related Catecholaminergic Polymorphic Ventricular Tachycardia; VENTRICULAR TACHYCARDIA, CATECHOLAMINERGIC POLYMORPHIC, 1, WITH OR WITHOUT ATRIAL DYSFUNCTION AND/OR DILATED CARDIOMYOPATHY. Identifiers: Orphanet 3286, MedGen C1631597, MONDO:0011484, OMIM 604772.

Submission:

Labcorp Genetics (formerly Invitae), Labcorp
Classification: Uncertain significance for Catecholaminergic polymorphic ventricular tachycardia 1. Last evaluated: 2025-09-17. Review status: criteria provided, single submitter. Criteria: Invitae Variant Classification Sherloc (09022015). Collection method: clinical testing. Allele origin: germline.
Comment: This sequence change replaces leucine, which is neutral and non-polar, with phenylalanine, which is neutral and non-polar, at codon 4517 of the RYR2 protein (p.Leu4517Phe). This variant is not present in population databases (gnomAD no frequency). This variant has not been reported in the literature in individuals affected with RYR2-related conditions. Invitae Evidence Modeling of protein sequence and biophysical properties (such as structural, functional, and spatial information, amino acid conservation, physicochemical variation, residue mobility, and thermodynamic stability) indicates that this missense variant is expected to disrupt RYR2 protein function with a positive predictive value of 95%. In summary, the available evidence is currently insufficient to determine the role of this variant in disease. Therefore, it has been classified as a Variant of Uncertain Significance.